The following is an entry in ClinVar:

NM_002887.4(RARS1):c.950A>C (p.Gln317Pro)

Gene: RARS1 (arginyl-tRNA synthetase 1; plus strand). Cytogenetic location: 5q34.
Variant type: single nucleotide variant.
Coding change: c.950A>C on transcript NM_002887.4 (MANE Select); coding-DNA position 950, A replaced by C.
Protein change: p.Gln317Pro; replaces glutamine 317 with proline.
Molecular consequence: missense variant.
Genome position (GRCh38, 1-based): chr5:168,500,718, A>C. VCF-style: chr5-168500718-A-C. GRCh37 (hg19) VCF-style: chr5-167927723-A-C.
Other names: short protein forms Q317P.
Identifiers: ClinVar variation 2898860 (VCV002898860.4), dbSNP rs749574435, ClinGen allele CA3549765.
Genomic context (GRCh38, chr5:168,500,718, plus strand): 5'-TCCAGGGTAAAAACCCAGATATTACAAAAGCTTGGAAGCTTATCTGTGATGTCTCCCGCC[A>C]AGGTGAGTTTCTGGGCTTTGTTCCTTCGTCCAGCAAATACTATGTATATCATTTCCTGGA-3'
Protein context (NP_002878.2, residues 307-327): AWKLICDVSR[Gln317Pro]ELNKIYDALD

ClinVar aggregate classification (germline): Uncertain significance. Review status: criteria provided, multiple submitters, no conflicts (2 of 4 stars). 3 submissions from 3 submitters: Uncertain significance (3). Last evaluated 2025-06-07.

Conditions:
Inborn genetic diseases. Identifiers: MedGen C0950123, MeSH D030342.

Allele frequency attached by ClinVar (database versions not stated): ExAC 0.00002; gnomAD 0.00003; TOPMed 0.00003; gnomAD exomes 0.00004.
gnomAD v4.1: 60 of 1,609,826 alleles (0.0037%); highest among the groups gnomAD compares: Non-Finnish European, 0.0048%; no homozygotes.

Submissions (3):

Ambry Genetics
Classification: Uncertain significance for Inborn genetic diseases. Last evaluated: 2025-06-07. Review status: criteria provided, single submitter. Criteria: Ambry Variant Classification Scheme 2023. Collection method: clinical testing. Allele origin: germline.

Blueprint Genetics
Classification: Uncertain significance. Last evaluated: 2024-08-20. Review status: criteria provided, single submitter. Criteria: ACMG Guidelines, 2015. Collection method: clinical testing. Allele origin: germline.

Labcorp Genetics (formerly Invitae), Labcorp
Classification: Uncertain significance. Last evaluated: 2024-01-19. Review status: criteria provided, single submitter. Criteria: Invitae Variant Classification Sherloc (09022015). Collection method: clinical testing. Allele origin: germline.
Comment: This sequence change replaces glutamine, which is neutral and polar, with proline, which is neutral and non-polar, at codon 317 of the RARS protein (p.Gln317Pro). This variant is present in population databases (rs749574435, gnomAD 0.004%). This variant has not been reported in the literature in individuals affected with RARS-related conditions. An algorithm developed to predict the effect of missense changes on protein structure and function (PolyPhen-2) suggests that this variant¬†is likely to be tolerated. In summary, the available evidence is currently insufficient to determine the role of this variant in disease. Therefore, it has been classified as a Variant of Uncertain Significance.